The following is an entry in ClinVar:

NM_001018005.2(TPM1):c.326C>T (p.Ala109Val)

Gene: TPM1 (tropomyosin 1; plus strand). Cytogenetic location: 15q22.2.
Variant type: single nucleotide variant.
Coding change: c.326C>T on transcript NM_001018005.2 (MANE Select); coding-DNA position 326, C replaced by T.
Protein change: p.Ala109Val; replaces alanine 109 with valine.
Molecular consequence: missense variant. On other transcripts: non-coding transcript variant (17).
Genome position (GRCh38, 1-based): chr15:63,057,070, C>T. VCF-style: chr15-63057070-C-T. GRCh37 (hg19) VCF-style: chr15-63349269-C-T.
Other names: c.326C>T, p.Ala109Val (NM_001407331.1, NM_001407332.1, NM_001407333.1 and 20 more transcripts); c.218C>T, p.Ala73Val (NM_001407340.1, NM_001407341.1, NM_001407342.1 and 9 more transcripts); c.452C>T, p.Ala151Val (NM_001407322.1, NM_001407323.1, NM_001407324.1 and 1 more transcripts); short protein forms A109V, A151V, A73V.
Identifiers: ClinVar variation 2971067 (VCV002971067.3), dbSNP rs2542721933, ClinGen allele CA392721052.
Genomic context (GRCh38, chr15:63,057,070, plus strand): 5'-ACAGACGCATCCAGCTGGTTGAGGAAGAGTTGGATCGTGCCCAGGAGCGTCTGGCAACAG[C>T]TTTGCAGAAGCTGGAGGAAGCTGAGAAGGCAGCAGATGAGAGTGAGAGGTGAGAATGCCT-3'
Protein context (NP_001018005.1, residues 99-119): LDRAQERLAT[Ala109Val]LQKLEEAEKA

ClinVar aggregate classification (germline): Uncertain significance (1 of 4 stars; one submission).

Conditions:
Hypertrophic cardiomyopathy. Also called: HYPERTROPHIC MYOCARDIOPATHY. Identifiers: Orphanet 217569, MedGen C0007194, MeSH D002312, MONDO:0005045, HP:0001639.

Submission:

Labcorp Genetics (formerly Invitae), Labcorp
Classification: Uncertain significance for Hypertrophic cardiomyopathy. Last evaluated: 2024-02-23. Review status: criteria provided, single submitter. Criteria: Invitae Variant Classification Sherloc (09022015). Collection method: clinical testing. Allele origin: germline.
Comment: This sequence change replaces alanine, which is neutral and non-polar, with valine, which is neutral and non-polar, at codon 109 of the TPM1 protein (p.Ala109Val). This variant is not present in population databases (gnomAD no frequency). This variant has not been reported in the literature in individuals affected with TPM1-related conditions. An algorithm developed to predict the effect of missense changes on protein structure and function (PolyPhen-2) suggests that this variant is likely to be disruptive. In summary, the available evidence is currently insufficient to determine the role of this variant in disease. Therefore, it has been classified as a Variant of Uncertain Significance.